The following is an entry in ClinVar:

NM_001321075.3(DLG4):c.396G>A (p.Ala132=)

Gene: DLG4 (discs large MAGUK scaffold protein 4; minus strand). Cytogenetic location: 17p13.1.
Variant type: single nucleotide variant.
Coding change: c.396G>A on transcript NM_001321075.3 (MANE Select); coding-DNA position 396, G replaced by A.
Protein change: p.Ala132=; no amino-acid change (alanine 132 retained).
Molecular consequence: synonymous variant. On other transcripts: non-coding transcript variant (1).
Genome position (GRCh38, 1-based): chr17:7,203,533, C>T on the plus strand (G>A on the coding strand, the complement: DLG4 is on the minus strand). VCF-style: chr17-7203533-C-T. GRCh37 (hg19) VCF-style: chr17-7106852-C-T.
Other names: c.387G>A, p.Ala129= (NM_001128827.4); c.516G>A, p.Ala172= (NM_001321074.1); c.216G>A, p.Ala72= (NM_001321076.3, NM_001321077.3); c.525G>A, p.Ala175= (NM_001365.5); c.315G>A, p.Ala105= (NM_001369566.3).
Identifiers: ClinVar variation 745849 (VCV000745849.8), dbSNP rs182090477, ClinGen allele CA8337200.
Genomic context (GRCh38, chr17:7,203,533, plus strand): 5'-CTTCCGGCGCATGACATAGAGGCGAACGATGGAGCCTGCCTCTTTGAGGGCTTCCACCGC[C>T]GCTGAGTGGGTCACCTCGCGCACGTCCACTTCATTTACAAACAGGATGCTGTCGTTGACC-3'
Protein context (NP_001308004.1, residues 122-142): EVDVREVTHS[Ala132=]AVEALKEAGS

ClinVar aggregate classification (germline): Likely benign. Review status: criteria provided, multiple submitters, no conflicts (2 of 4 stars). 3 submissions from 3 submitters: Likely benign (3). Last evaluated 2026-09-01.

Allele frequency attached by ClinVar (database versions not stated): gnomAD 0.00006 and 0.00007; TOPMed 0.00007; 1000 Genomes Project 30x 0.00016; 1000 Genomes Project 0.00020; gnomAD exomes 0.00020.
gnomAD v4.1: 80 of 1,613,668 alleles (0.005%); highest among the groups gnomAD compares: Admixed American, 0.098%; no homozygotes.

Submissions (3):

CeGaT Center for Human Genetics Tuebingen
Classification: Likely benign. Last evaluated: 2026-09-01. Review status: criteria provided, single submitter. Criteria: CeGaT Center For Human Genetics Tuebingen Variant Classification Criteria Version 2. Collection method: clinical testing. Allele origin: germline. Affected: yes. Observed: 2 variant alleles.
Comment: DLG4: BP4, BP7

Blueprint Genetics
Classification: Likely benign. Last evaluated: 2022-04-19. Review status: criteria provided, single submitter. Criteria: ACMG Guidelines, 2015. Collection method: clinical testing. Allele origin: germline.

Labcorp Genetics (formerly Invitae), Labcorp
Classification: Likely benign. Last evaluated: 2018-06-22. Review status: criteria provided, single submitter. Criteria: Invitae Variant Classification Sherloc (09022015). Collection method: clinical testing. Allele origin: germline.